The following is an entry in ClinVar:

ClinVar aggregate classification (germline): Uncertain significance (1 of 4 stars; one submission).

Conditions:
Frontotemporal dementia and/or amyotrophic lateral sclerosis 1 (FTDALS1). Also called: C9orf72 Frontotemporal Dementia and/or Amyotrophic Lateral Sclerosis; Frontotemporal dementia with motor neuron disease 1. Identifiers: Orphanet 275872, MedGen C5779877, MONDO:0007105, OMIM 105550.
Paget disease of bone 2, early-onset (PDB2). Also called: Paget disease of bone 2. Identifiers: MedGen C4085251, MONDO:0011183, OMIM 602080.

Submission:

Labcorp Genetics (formerly Invitae), Labcorp
Classification: Uncertain significance for Paget disease of bone 2, early-onset; Frontotemporal dementia and/or amyotrophic lateral sclerosis 1. Last evaluated: 2025-08-04. Review status: criteria provided, single submitter. Criteria: Invitae Variant Classification Sherloc (09022015). Collection method: clinical testing. Allele origin: germline.
Comment: This sequence change replaces serine, which is neutral and polar, with asparagine, which is neutral and polar, at codon 28 of the SQSTM1 protein (p.Ser28Asn). This variant is not present in population databases (gnomAD no frequency). This variant has not been reported in the literature in individuals affected with SQSTM1-related conditions. An algorithm developed to predict the effect of missense changes on protein structure and function (PolyPhen-2) suggests that this variant is likely to be tolerated. In summary, the available evidence is currently insufficient to determine the role of this variant in disease. Therefore, it has been classified as a Variant of Uncertain Significance.

NM_003900.5(SQSTM1):c.83G>A (p.Ser28Asn)

Gene: SQSTM1 (sequestosome 1; plus strand). Cytogenetic location: 5q35.3.
Variant type: single nucleotide variant.
Coding change: c.83G>A on transcript NM_003900.5 (MANE Select); coding-DNA position 83, G replaced by A.
Protein change: p.Ser28Asn; replaces serine 28 with asparagine.
Molecular consequence: missense variant. On other transcripts: intron variant (2).
Genome position (GRCh38, 1-based): chr5:179,821,019, G>A. VCF-style: chr5-179821019-G-A. GRCh37 (hg19) VCF-style: chr5-179248019-G-A.
Other names: c.-47-1939G>A (NM_001142298.2, NM_001142299.2); short protein forms S28N.
Identifiers: ClinVar variation 4794574 (VCV004794574.1).